The following is an entry in ClinVar:

ClinVar aggregate classification (germline): Benign/Likely benign. Review status: criteria provided, multiple submitters, no conflicts (2 of 4 stars). 4 submissions from 4 submitters: Benign (2); Likely benign (2). Last evaluated 2025-08-31.

Conditions:
Hereditary cancer-predisposing syndrome. Also called: Tumor predisposition; Neoplastic Syndromes, Hereditary; Hereditary Cancer Syndrome; Hereditary neoplastic syndrome. Identifiers: Orphanet 140162, MedGen C0027672, MeSH D009386, MONDO:0015356.
Hereditary diffuse gastric adenocarcinoma (HDGC). Also called: DIFFUSE GASTRIC AND LOBULAR BREAST CANCER SYNDROME. Identifiers: Orphanet 26106, MedGen C1708349, MONDO:0007648, OMIM 137215.

Submissions (4):

Labcorp Genetics (formerly Invitae), Labcorp
Classification: Benign for Hereditary diffuse gastric adenocarcinoma. Last evaluated: 2025-08-31. Review status: criteria provided, single submitter. Criteria: Invitae Variant Classification Sherloc (09022015). Collection method: clinical testing. Allele origin: germline.

Myriad Genetics, Inc.
Classification: Likely benign for Hereditary diffuse gastric adenocarcinoma. Last evaluated: 2024-09-11. Review status: criteria provided, single submitter. Criteria: Myriad Autosomal Dominant, Autosomal Recessive and X-Linked Classification Criteria (2023). Collection method: clinical testing. Allele origin: unknown.
Comment: This variant is considered likely benign. This variant is intronic and is not expected to impact mRNA splicing.

Color Diagnostics, LLC DBA Color Health
Classification: Likely benign for Hereditary cancer-predisposing syndrome. Last evaluated: 2017-09-05. Review status: criteria provided, single submitter. Criteria: ACMG Guidelines, 2015. Collection method: clinical testing. Allele origin: germline.

GeneDx
Classification: Benign. Last evaluated: 2015-04-11. Review status: criteria provided, single submitter. Criteria: GeneDx Variant Classification Process June 2021. Collection method: clinical testing. Allele origin: germline. Affected: yes.

NM_004360.5(CDH1):c.49-8dup

Gene: CDH1 (cadherin 1; plus strand). Cytogenetic location: 16q22.1.
Variant type: Duplication.
Coding change: c.49-8dup on transcript NM_004360.5 (MANE Select); 8 bases into the intron before coding-DNA position 49, one base duplicated (C; older notation c.49-8dupC).
Molecular consequence: intron variant.
Genome position (GRCh38, 1-based): chr16:68,738,289, C duplicated; the last of 5 consecutive C bases (chr16:68,738,285-68,738,289); duplicating any one gives the same sequence. VCF-style (leftmost placement, unchanged base first): chr16-68738284-T-TC. GRCh37 (hg19) VCF-style: chr16-68772187-T-TC.
Other names: c.-1567-8dup (NM_001317185.2); c.-1771-8dup (NM_001317186.2); c.49-8dup (NM_001317184.2); c.49-8dupC (NM_004360.4).
Identifiers: ClinVar variation 491546 (VCV000491546.14), dbSNP rs1240151598, ClinGen allele CA396451536.
Genomic context (GRCh38, chr16:68,738,284, plus strand): 5'-GCGCTGTTGGTTTCGGTGAGCAGGAGGGAACCCTCCGAGTCACCCGGTTCCATCTACCTT[T>TC]CCCCCACCCCAGGTCTCCTCTTGGCTCTGCCAGGAGCCGGAGCCCTGCCACCCTGGCTTT-3'